The following is an entry in ClinVar:

NM_001267550.2(TTN):c.101543A>G (p.Lys33848Arg)

Genes: TTN (titin; minus strand), TTN-AS1 (TTN antisense RNA 1; plus strand). Cytogenetic location: 2q31.2.
Variant type: single nucleotide variant.
Coding change: c.101543A>G on transcript NM_001267550.2 (MANE Select); coding-DNA position 101543, A replaced by G.
Protein change: p.Lys33848Arg; replaces lysine 33848 with arginine.
Molecular consequence: missense variant.
Genome position (GRCh38, 1-based): chr2:178,535,072, T>C on the plus strand (A>G on the coding strand, the complement: TTN is on the minus strand). VCF-style: chr2-178535072-T-C. GRCh37 (hg19) VCF-style: chr2-179399799-T-C.
Other names: c.96620A>G, p.Lys32207Arg (NM_001256850.1); c.74348A>G, p.Lys24783Arg (NM_003319.4); c.93839A>G, p.Lys31280Arg (NM_133378.4); c.74723A>G, p.Lys24908Arg (NM_133432.3); c.74924A>G, p.Lys24975Arg (NM_133437.4); short protein forms K24783R, K24908R, K24975R, K31280R, K32207R, K33848R.
Identifiers: ClinVar variation 3763754 (VCV003763754.2).
Genomic context (GRCh38, chr2:178,535,072, plus strand): 5'-TTCAGAATGGAAATTTCCTTCTTTACCAAAACCTGATCAGTCCCTTTGACTTTAACAAAT[T>C]TGGCCATGTATGTCTTCTTTGAGGATGTTTCAACACAACGATGGACAATTCCAAACTCAC-3'
Protein context (NP_001254479.2, residues 33838-33858): ETSSKKTYMA[Lys33848Arg]FVKVKGTDQV

ClinVar aggregate classification (germline): Uncertain significance (1 of 4 stars; one submission).

Conditions:
Autosomal recessive limb-girdle muscular dystrophy type 2J (LGMDR10). Also called: Limb-girdle muscular dystrophy, type 2J; MUSCULAR DYSTROPHY, LIMB-GIRDLE, AUTOSOMAL RECESSIVE 10. Identifiers: Orphanet 140922, MedGen C1837342, MONDO:0012127, OMIM 608807.
Dilated cardiomyopathy 1G (CMD1G). Identifiers: Orphanet 154, MedGen C1858763, MONDO:0011400, OMIM 604145.

gnomAD v4.1: 1 of 1,613,938 alleles (0.000062%); highest among the groups gnomAD compares: South Asian, 0.0011%; no homozygotes.

Submission:

Labcorp Genetics (formerly Invitae), Labcorp
Classification: Uncertain significance for Dilated cardiomyopathy 1G; Autosomal recessive limb-girdle muscular dystrophy type 2J. Last evaluated: 2024-06-01. Review status: criteria provided, single submitter. Criteria: Invitae Variant Classification Sherloc (09022015). Collection method: clinical testing. Allele origin: germline.
Comment: This sequence change replaces lysine, which is basic and polar, with arginine, which is basic and polar, at codon 33848 of the TTN protein (p.Lys33848Arg). This variant is present in population databases (rs759258408, gnomAD 0.003%). This variant has not been reported in the literature in individuals affected with TTN-related conditions. Experimental studies and prediction algorithms are not available or were not evaluated, and the functional significance of this variant is currently unknown. This variant is located in the M band of TTN (PMID: 25589632). Non-truncating variants in this region may be relevant for neuromuscular disorders, but have not been definitively shown to cause cardiomyopathy (PMID: 23975875). In summary, the available evidence is currently insufficient to determine the role of this variant in disease. Therefore, it has been classified as a Variant of Uncertain Significance.

Literature cited by the submitters: PubMed 25589632; PubMed 23975875.